The following is an entry in ClinVar:

ClinVar aggregate classification (germline): Likely pathogenic (1 of 4 stars; one submission).

Conditions:
Charcot-Marie-Tooth disease axonal type 2P. Also called: CHARCOT-MARIE-TOOTH NEUROPATHY, TYPE 2P; CHARCOT-MARIE-TOOTH DISEASE, AXONAL, TYPE 2G; CMT 2G; Charcot-Marie-Tooth Neuropathy Type 2G. Identifiers: Orphanet 300319, Orphanet 99941, MedGen C3280797, MONDO:0013753, OMIM 614436.

Submission:

Department of Clinical Genetics, Copenhagen University Hospital, Rigshospitalet
Classification: Likely pathogenic for Charcot-Marie-Tooth disease axonal type 2P. Last evaluated: 2024-08-28. Review status: criteria provided, single submitter. Criteria: ACMG Guidelines, 2015. Collection method: clinical testing. Allele origin: germline.
Comment: PM1_M, PP3_M, PVS1_M, PS4_Sup, PM2_Sup

NM_001005373.4(LRSAM1):c.2046+1G>C

Gene: LRSAM1 (leucine rich repeat and sterile alpha motif containing 1; plus strand). Cytogenetic location: 9q34.11.
Variant type: single nucleotide variant.
Coding change: c.2046+1G>C on transcript NM_001005373.4 (MANE Select); the canonical splice donor site of the intron after coding-DNA position 2046, G replaced by C.
Molecular consequence: splice donor variant.
Genome position (GRCh38, 1-based): chr9:127,501,144, G>C. VCF-style: chr9-127501144-G-C. GRCh37 (hg19) VCF-style: chr9-130263423-G-C.
Other names: c.2046+1G>C (NM_138361.5, NM_001384142.1, NM_001005374.4); c.1947+1G>C (NM_001384143.1); c.1965+1G>C (NM_001190723.3); c.1257+1G>C (NM_001384144.1).
Identifiers: ClinVar variation 3899272 (VCV003899272.1).